The following is an entry in ClinVar:

ClinVar aggregate classification (germline): Uncertain significance. Review status: criteria provided, multiple submitters, no conflicts (2 of 4 stars). 9 submissions from 9 submitters: Uncertain significance (8). 1 of the submissions does not count toward it. Last evaluated 2026-05-28.

Conditions:
Cardiomyopathy (CMYO). Also called: Cardiomyopathies. Identifiers: Orphanet 167848, MedGen C0878544, MONDO:0004994, HP:0001638. Inheritance: Various modes of inheritance.
Hypertrophic cardiomyopathy. Also called: HYPERTROPHIC MYOCARDIOPATHY. Identifiers: Orphanet 217569, MedGen C0007194, MeSH D002312, MONDO:0005045, HP:0001639.
Cardiovascular phenotype. Identifiers: MedGen CN230736.

Allele frequency attached by ClinVar (database versions not stated): gnomAD exomes 0.00002 and 0.00001; ExAC 0.00001.
gnomAD v4.1: 10 of 1,613,502 alleles (0.00062%); highest among the groups gnomAD compares: East Asian, 0.0022%; no homozygotes.

Submissions (9):

Women's Health and Genetics/Laboratory Corporation of America, LabCorp
Classification: Uncertain significance. Last evaluated: 2026-05-28. Review status: criteria provided, single submitter. Criteria: LabCorp Variant Classification Summary - May 2015. Collection method: clinical testing. Allele origin: germline.
Comment: Variant summary: MYBPC3 c.712C>T (p.Arg238Cys) results in a non-conservative amino acid change located in the Immunoglobulin I-set repeat domain (IPR013098) of the encoded protein sequence. Algorithms developed to predict the effect of missense changes on protein structure and function all suggest that this variant is likely to be disruptive. The variant allele was found at a frequency of 6.2e-06 in 1606528 control chromosomes in the gnomAD database (v4.1 dataset). This frequency is not significantly higher than estimated for disease-causing variants in MYBPC3, allowing no conclusion about variant significance. c.712C>T has been observed in individuals affected with various heart diseases, including arrhythmogenic right ventricular cardiomyopathy (ARVC), dilated cardiomyopathy (DCM), hypertrophic cardiomyopathy (HCM), and unspecified cardiac phenotypes (e.g. Medeiros-Domingo_2017, Ye_2019, Costa_2021, James_2021, Bagnall_2022, Voinescu_2024, Goanta_2024, Kurzlechner_2022, Jaouadi_2024), and in at least one DCM case a co-occurring pathogenic splice variant in the MYBPC3 gene was also found, although the phase was not specified (Bagnall_2022). To our knowledge, no experimental evidence demonstrating an impact on protein function has been reported. The following publications have been ascertained in the context of this evaluation (PMID: 27194543, 31402444, 33232181, 33831308, 36252119, 38473809, 38999368, 35629155, 39554508). ClinVar contains an entry for this variant (Variation ID: 921746). Based on the evidence outlined above, the variant was classified as uncertain significance.

Ambry Genetics
Classification: Uncertain significance for Cardiovascular phenotype. Last evaluated: 2025-08-24. Review status: criteria provided, single submitter. Criteria: Ambry Variant Classification Scheme 2023. Collection method: clinical testing. Allele origin: germline.
Comment: The p.R238C variant (also known as c.712C>T), located in coding exon 6 of the MYBPC3 gene, results from a C to T substitution at nucleotide position 712. The arginine at codon 238 is replaced by cysteine, an amino acid with highly dissimilar properties. This variant was reported in an individual with possible arrhythmogenic right ventricular cardiomyopathy (ARVC); however, clinical details were limited (Medeiros-Domingo A et al. Europace, 2017 Jun;19:1063-1069).This amino acid position is highly conserved in available vertebrate species. In addition, this alteration is predicted to be deleterious by in silico analysis. Since supporting evidence is limited at this time, the clinical significance of this alteration remains unclear.

Molecular Diagnostic Laboratory for Inherited Cardiovascular Disease, Montreal Heart Institute
Classification: Uncertain significance for Cardiovascular phenotype. Last evaluated: 2025-04-09. Review status: criteria provided, single submitter. Criteria: ACMG Guidelines, 2015. Collection method: clinical testing. Allele origin: germline. Affected: yes.
Comment: PM2;PS4_supp;PP3

Labcorp Genetics (formerly Invitae), Labcorp
Classification: Uncertain significance for Hypertrophic cardiomyopathy. Last evaluated: 2025-01-01. Review status: criteria provided, single submitter. Criteria: Invitae Variant Classification Sherloc (09022015). Collection method: clinical testing. Allele origin: germline.
Comment: This sequence change replaces arginine, which is basic and polar, with cysteine, which is neutral and slightly polar, at codon 238 of the MYBPC3 protein (p.Arg238Cys). This variant is present in population databases (rs771143409, gnomAD 0.002%). This missense change has been observed in individual(s) with clinical features of MYBPC3-related conditions (PMID: 27194543, 36252119). ClinVar contains an entry for this variant (Variation ID: 921746). An algorithm developed to predict the effect of missense changes on protein structure and function (PolyPhen-2) suggests that this variant is likely to be disruptive. In summary, the available evidence is currently insufficient to determine the role of this variant in disease. Therefore, it has been classified as a Variant of Uncertain Significance.

All of Us Research Program, National Institutes of Health
Classification: Uncertain significance for Hypertrophic cardiomyopathy. Last evaluated: 2023-12-13. Review status: criteria provided, single submitter. Criteria: ACMG Guidelines, 2015. Collection method: clinical testing. Allele origin: germline. Inheritance: Autosomal dominant inheritance. Observed: 3 variant alleles, 3 heterozygotes.
Comment: This missense variant replaces arginine with cysteine at codon 238 of the MYBPC3 protein. Computational prediction tools and conservation analyses suggest that this variant may have deleterious impact on the protein function. Computational splicing tools suggest that this variant may not impact RNA splicing. To our knowledge, functional assays have not been performed for this variant. This variant has been reported in an individual who may be affected with arrhythmogenic right ventricular cardiomyopathy (PMID: 27194543). This variant has been identified in 4/247642 chromosomes in the general population by the Genome Aggregation Database (gnomAD). Available evidence is insufficient to determine the role of this variant in disease conclusively. Therefore, this variant is classified as a Variant of Uncertain Significance.

This study involves interpretation of variants in research participants for the purpose of population health screening. Participant phenotype was not available at the time of variant classification. Additional details can be found in publication PMID: 35346344, PMCID: PMC8962531

Color Diagnostics, LLC DBA Color Health
Classification: Uncertain significance for Cardiomyopathy. Last evaluated: 2023-11-08. Review status: criteria provided, single submitter. Criteria: ACMG Guidelines, 2015. Collection method: clinical testing. Allele origin: germline.
Comment: This missense variant replaces arginine with cysteine at codon 238 of the MYBPC3 protein. Computational prediction suggests that this variant may have deleterious impact on protein structure and function (internally defined REVEL score threshold >= 0.7, PMID: 27666373). To our knowledge, functional studies have not been reported for this variant. This variant has been reported in an individual who may be affected with arrhythmogenic right ventricular cardiomyopathy (PMID: 27194543). This variant has been identified in 4/247642 chromosomes in the general population by the Genome Aggregation Database (gnomAD). The available evidence is insufficient to determine the role of this variant in disease conclusively. Therefore, this variant is classified as a Variant of Uncertain Significance.

GeneDx
Classification: Uncertain significance. Last evaluated: 2023-08-16. Review status: criteria provided, single submitter. Criteria: GeneDx Variant Classification Process June 2021. Collection method: clinical testing. Allele origin: germline. Affected: yes.
Comment: Described in association with ARVC with conflicting evidence (Medeiros-Domingo et al., 2016; Ye et al., 2019; Costa et al., 2021); Not observed at significant frequency in large population cohorts (gnomAD); In silico analysis supports that this missense variant has a deleterious effect on protein structure/function; This variant is associated with the following publications: (PMID: 31402444, 33232181, 27194543, 36252119)

Mayo Clinic Laboratories, Mayo Clinic
Classification: Uncertain significance. Last evaluated: 2022-11-17. Review status: criteria provided, single submitter. Criteria: ACMG Guidelines, 2015. Collection method: clinical testing. Allele origin: germline. Observed: 2 variant alleles.
Comment: PP3, PM2_supporting

Zaffran Lab, Genetics of Cardiac Diseases Laboratory, Marseille Medical Genetics
Classification: Uncertain significance for hypertrophic cardiomyopathy. Review status: no assertion criteria provided. Collection method: research. Allele origin: unknown. Affected: yes. Not counted in ClinVar's aggregate classification.

Literature cited by the submitters: PubMed 27194543 (cited by 6 submitters); PubMed 31402444 (cited by Women's Health and Genetics/Laboratory Corporation of America, LabCorp and Mayo Clinic Laboratories, Mayo Clinic); PubMed 35629155 (cited by Women's Health and Genetics/Laboratory Corporation of America, LabCorp); PubMed 36252119 (cited by Women's Health and Genetics/Laboratory Corporation of America, LabCorp and Labcorp Genetics (formerly Invitae), Labcorp); PubMed 38999368 (cited by Women's Health and Genetics/Laboratory Corporation of America, LabCorp); PubMed 38473809 (cited by Women's Health and Genetics/Laboratory Corporation of America, LabCorp); PubMed 39554508 (cited by Women's Health and Genetics/Laboratory Corporation of America, LabCorp); PubMed 33232181 (cited by Women's Health and Genetics/Laboratory Corporation of America, LabCorp and Mayo Clinic Laboratories, Mayo Clinic); PubMed 33831308 (cited by Women's Health and Genetics/Laboratory Corporation of America, LabCorp).

NM_000256.3(MYBPC3):c.712C>T (p.Arg238Cys)

Gene: MYBPC3 (myosin binding protein C3; minus strand). Cytogenetic location: 11p11.2.
Variant type: single nucleotide variant.
Coding change: c.712C>T on transcript NM_000256.3 (MANE Select); coding-DNA position 712, C replaced by T.
Protein change: p.Arg238Cys; replaces arginine 238 with cysteine.
Molecular consequence: missense variant.
Genome position (GRCh38, 1-based): chr11:47,348,484, G>A on the plus strand (C>T on the coding strand, the complement: MYBPC3 is on the minus strand). VCF-style: chr11-47348484-G-A. GRCh37 (hg19) VCF-style: chr11-47370035-G-A.
Other names: p.Arg238Cys; short protein forms R238C.
Identifiers: ClinVar variation 921746 (VCV000921746.21), dbSNP rs771143409, ClinGen allele CA056536.